The following is an entry in ClinVar:

NM_006059.4(LAMC3):c.941C>A (p.Ala314Asp)

Gene: LAMC3 (laminin subunit gamma 3; plus strand). Cytogenetic location: 9q34.12.
Variant type: single nucleotide variant.
Coding change: c.941C>A on transcript NM_006059.4 (MANE Select); coding-DNA position 941, C replaced by A.
Protein change: p.Ala314Asp; replaces alanine 314 with aspartic acid.
Molecular consequence: missense variant.
Genome position (GRCh38, 1-based): chr9:131,036,297, C>A. VCF-style: chr9-131036297-C-A. GRCh37 (hg19) VCF-style: chr9-133911684-C-A.
Other names: c.941C>A (NM_006059.3); short protein forms A314D.
Identifiers: ClinVar variation 1940231 (VCV001940231.6), dbSNP rs1833942879, ClinGen allele CA375257015.
Genomic context (GRCh38, chr9:131,036,297, plus strand): 5'-ACAACACCACCGGCACAGACTGTGAGCGCTGCCTGCCCTTCTTCCAGGACCGCCCGTGGG[C>A]CCGGGGCACCGCCGAGGCTGCCCACGAGTGTCTGCGTGAGTGTCTGAGTGTCACAGGGCA-3'
Protein context (NP_006050.3, residues 304-324): CLPFFQDRPW[Ala314Asp]RGTAEAAHEC

ClinVar aggregate classification (germline): Uncertain significance. Review status: criteria provided, multiple submitters, no conflicts (2 of 4 stars). 2 submissions from 2 submitters: Uncertain significance (2). Last evaluated 2025-08-12.

Conditions:
Inborn genetic diseases. Identifiers: MedGen C0950123, MeSH D030342.

Allele frequency attached by ClinVar (database versions not stated): TOPMed below 0.00001.

Submissions (2):

Ambry Genetics
Classification: Uncertain significance for Inborn genetic diseases. Last evaluated: 2025-08-12. Review status: criteria provided, single submitter. Criteria: Ambry Variant Classification Scheme 2023. Collection method: clinical testing. Allele origin: germline.

Labcorp Genetics (formerly Invitae), Labcorp
Classification: Uncertain significance. Last evaluated: 2022-02-11. Review status: criteria provided, single submitter. Criteria: Invitae Variant Classification Sherloc (09022015). Collection method: clinical testing. Allele origin: germline.
Comment: In summary, the available evidence is currently insufficient to determine the role of this variant in disease. Therefore, it has been classified as a Variant of Uncertain Significance. Algorithms developed to predict the effect of missense changes on protein structure and function are either unavailable or do not agree on the potential impact of this missense change (SIFT: "Tolerated"; PolyPhen-2: "Probably Damaging"; Align-GVGD: "Class C0"). This variant has not been reported in the literature in individuals affected with LAMC3-related conditions. This variant is not present in population databases (gnomAD no frequency). This sequence change replaces alanine, which is neutral and non-polar, with aspartic acid, which is acidic and polar, at codon 314 of the LAMC3 protein (p.Ala314Asp).